The following is an entry in ClinVar:

NM_005732.4(RAD50):c.2334A>G (p.Ile778Met)

Gene: RAD50 (RAD50 double strand break repair protein; plus strand). Cytogenetic location: 5q31.1.
Variant type: single nucleotide variant.
Coding change: c.2334A>G on transcript NM_005732.4 (MANE Select); coding-DNA position 2334, A replaced by G.
Protein change: p.Ile778Met; replaces isoleucine 778 with methionine.
Molecular consequence: missense variant.
Genome position (GRCh38, 1-based): chr5:132,603,426, A>G. VCF-style: chr5-132603426-A-G. GRCh37 (hg19) VCF-style: chr5-131939118-A-G.
Other names: short protein forms I778M.
Identifiers: ClinVar variation 959325 (VCV000959325.9), dbSNP rs758393824, ClinGen allele CA3405369.

ClinVar aggregate classification (germline): Uncertain significance. Review status: criteria provided, multiple submitters, no conflicts (2 of 4 stars). 2 submissions from 2 submitters: Uncertain significance (2). Last evaluated 2025-07-31.

Conditions:
Hereditary cancer-predisposing syndrome. Also called: Tumor predisposition; Hereditary neoplastic syndrome; Neoplastic Syndromes, Hereditary; Hereditary Cancer Syndrome. Identifiers: Orphanet 140162, MedGen C0027672, MeSH D009386, MONDO:0015356.

Allele frequency attached by ClinVar (database versions not stated): gnomAD exomes below 0.00001; ExAC 0.00001.
gnomAD v4.1: 1 of 1,614,020 alleles (0.000062%); highest among the groups gnomAD compares: Non-Finnish European, 0.000085%; no homozygotes.

Submissions (2):

Labcorp Genetics (formerly Invitae), Labcorp
Classification: Uncertain significance for Hereditary cancer-predisposing syndrome. Last evaluated: 2025-07-31. Review status: criteria provided, single submitter. Criteria: Invitae Variant Classification Sherloc (09022015). Collection method: clinical testing. Allele origin: germline.
Comment: This sequence change replaces isoleucine, which is neutral and non-polar, with methionine, which is neutral and non-polar, at codon 778 of the RAD50 protein (p.Ile778Met). This variant is present in population databases (rs758393824, gnomAD 0.0009%). This variant has not been reported in the literature in individuals affected with RAD50-related conditions. ClinVar contains an entry for this variant (Variation ID: 959325). Invitae Evidence Modeling of protein sequence and biophysical properties (such as structural, functional, and spatial information, amino acid conservation, physicochemical variation, residue mobility, and thermodynamic stability) indicates that this missense variant is not expected to disrupt RAD50 protein function with a negative predictive value of 80%. In summary, the available evidence is currently insufficient to determine the role of this variant in disease. Therefore, it has been classified as a Variant of Uncertain Significance.

Ambry Genetics
Classification: Uncertain significance for Hereditary cancer-predisposing syndrome. Last evaluated: 2024-03-27. Review status: criteria provided, single submitter. Criteria: Ambry Variant Classification Scheme 2023. Collection method: clinical testing. Allele origin: germline.
Comment: The p.I778M variant (also known as c.2334A>G), located in coding exon 14 of the RAD50 gene, results from an A to G substitution at nucleotide position 2334. The isoleucine at codon 778 is replaced by methionine, an amino acid with highly similar properties. This amino acid position is conserved. In addition, this alteration is predicted to be tolerated by in silico analysis. Based on the available evidence, the clinical significance of this alteration remains unclear.